The following is an entry in ClinVar:

NM_004380.3(CREBBP):c.3743A>T (p.Asn1248Ile)

Gene: CREBBP (CREB binding protein; minus strand). Cytogenetic location: 16p13.3.
Variant type: single nucleotide variant.
Coding change: c.3743A>T on transcript NM_004380.3 (MANE Select); coding-DNA position 3743, A replaced by T.
Protein change: p.Asn1248Ile; replaces asparagine 1248 with isoleucine.
Molecular consequence: missense variant.
Genome position (GRCh38, 1-based): chr16:3,751,762, T>A on the plus strand (A>T on the coding strand, the complement: CREBBP is on the minus strand). VCF-style: chr16-3751762-T-A. GRCh37 (hg19) VCF-style: chr16-3801763-T-A.
Other names: c.3629A>T, p.Asn1210Ile (NM_001079846.1); short protein forms N1248I, N1210I.
Identifiers: ClinVar variation 451588 (VCV000451588.2), dbSNP rs1555476935, ClinGen allele CA394568038.

ClinVar aggregate classification (germline): Likely pathogenic (1 of 4 stars; one submission).

Submission:

GeneDx
Classification: Likely pathogenic. Last evaluated: 2017-09-12. Review status: criteria provided, single submitter. Criteria: GeneDx Variant Classification (06012015). Collection method: clinical testing. Allele origin: germline. Affected: yes.
Comment: The N1248I variant in the CREBBP gene has not been reported previously as a pathogenic variant, nor as a benign variant, to our knowledge. The N1248I variant is not observed in large population cohorts (Lek et al., 2016; 1000 Genomes Consortium et al., 2015; Exome Variant Server). The N1248I variant is a non-conservative amino acid substitution, which is likely to impact secondary protein structure as these residues differ in polarity, charge, size and/or other properties. This substitution occurs at a position where amino acids with similar properties to Asparagine are tolerated across species. In silico analysis predicts this variant is probably damaging to the protein structure/function. We interpret N1248I as a likely pathogenic variant.